The following is an entry in ClinVar:

ClinVar aggregate classification (germline): Likely pathogenic. Review status: criteria provided, multiple submitters, no conflicts (2 of 4 stars). 3 submissions from 3 submitters: Likely pathogenic (3). Last evaluated 2025-08-26.

Conditions:
TRPM1-related disorder. Also called: TRPM1-related condition.
Congenital stationary night blindness 1C. Also called: Night blindness, congenital stationary (complete), 1C, autosomal recessive. Identifiers: Orphanet 215, MedGen C2750747, MONDO:0013183, OMIM 613216.

Allele frequency attached by ClinVar (database versions not stated): gnomAD exomes below 0.00001 and 0.00001; ExAC 0.00001.

Submissions (3):

First Genomix Gene Laboratory, Genetic Diagnostics Department
Classification: Likely pathogenic for Congenital stationary night blindness 1C. Last evaluated: 2025-08-26. Review status: criteria provided, single submitter. Criteria: ACMG Guidelines, 2015. Collection method: clinical testing. Allele origin: germline. Inheritance: Autosomal recessive inheritance. Affected: no. Observed: 1 variant allele.

Revvity Omics, Revvity
Classification: Likely pathogenic for Congenital stationary night blindness 1C. Last evaluated: 2023-03-29. Review status: criteria provided, single submitter. Criteria: ACMG Guidelines, 2015. Collection method: clinical testing. Allele origin: germline.

Blueprint Genetics
Classification: Likely pathogenic for TRPM1-related disorders. Last evaluated: 2021-11-30. Review status: criteria provided, single submitter. Criteria: ACMG Guidelines, 2015. Collection method: clinical testing. Allele origin: germline. Affected: yes. Observed: 2 variant alleles.

NM_001252024.2(TRPM1):c.3496+2T>C

Genes: TRPM1 (transient receptor potential cation channel subfamily M member 1; minus strand), TRPM1-AS1 (TRPM1 antisense RNA 1; plus strand), LOC126862088 (BRD4-independent group 4 enhancer GRCh37_chr15:31318084-31319283; plus strand). Cytogenetic location: 15q13.3.
Variant type: single nucleotide variant.
Coding change: c.3496+2T>C on transcript NM_001252024.2 (MANE Select); the canonical splice donor site of the intron after coding-DNA position 3496, T replaced by C.
Molecular consequence: splice donor variant.
Genome position (GRCh38, 1-based): chr15:31,026,913, A>G on the plus strand (T>C on the coding strand, the complement: TRPM1 is on the minus strand). VCF-style: chr15-31026913-A-G. GRCh37 (hg19) VCF-style: chr15-31319116-A-G.
Other names: c.3547+2T>C (NM_001252020.2); c.3430+2T>C (NM_002420.6).
Identifiers: ClinVar variation 1325239 (VCV001325239.5), dbSNP rs773030662, ClinGen allele CA7451872.